The following is an entry in ClinVar:

ClinVar aggregate classification (germline): Uncertain significance. Review status: criteria provided, multiple submitters, no conflicts (2 of 4 stars). 2 submissions from 2 submitters: Uncertain significance (2). Last evaluated 2025-10-26.

Conditions:
Inborn genetic diseases. Identifiers: MedGen C0950123, MeSH D030342.

Allele frequency attached by ClinVar (database versions not stated): gnomAD exomes 0.00001; gnomAD 0.00003; TOPMed 0.00006.
gnomAD v4.1: 24 of 1,569,760 alleles (0.0015%); highest among the groups gnomAD compares: Admixed American, 0.031%; no homozygotes.

Submissions (2):

Labcorp Genetics (formerly Invitae), Labcorp
Classification: Uncertain significance. Last evaluated: 2025-10-26. Review status: criteria provided, single submitter. Criteria: Invitae Variant Classification Sherloc (09022015). Collection method: clinical testing. Allele origin: germline.
Comment: This sequence change replaces arginine, which is basic and polar, with cysteine, which is neutral and slightly polar, at codon 454 of the PODXL protein (p.Arg454Cys). This variant is present in population databases (rs758993736, gnomAD 0.04%), and has an allele count higher than expected for a pathogenic variant. This variant has not been reported in the literature in individuals affected with PODXL-related conditions. ClinVar contains an entry for this variant (Variation ID: 3216182). Experimental studies and prediction algorithms are not available or were not evaluated, and the functional significance of this variant is currently unknown. In summary, the available evidence is currently insufficient to determine the role of this variant in disease. Therefore, it has been classified as a Variant of Uncertain Significance.

Ambry Genetics
Classification: Uncertain significance for Inborn genetic diseases. Last evaluated: 2024-01-29. Review status: criteria provided, single submitter. Criteria: Ambry Variant Classification Scheme 2023. Collection method: clinical testing. Allele origin: germline.

NM_001018111.3(PODXL):c.1456C>T (p.Arg486Cys)

Gene: PODXL (podocalyxin like; minus strand). Cytogenetic location: 7q32.3.
Variant type: single nucleotide variant.
Coding change: c.1456C>T on transcript NM_001018111.3 (MANE Select); coding-DNA position 1456, C replaced by T.
Protein change: p.Arg486Cys; replaces arginine 486 with cysteine.
Molecular consequence: missense variant.
Genome position (GRCh38, 1-based): chr7:131,505,891, G>A on the plus strand (C>T on the coding strand, the complement: PODXL is on the minus strand). VCF-style: chr7-131505891-G-A. GRCh37 (hg19) VCF-style: chr7-131190650-G-A.
Other names: c.1360C>T, p.Arg454Cys (NM_005397.4); short protein forms R454C, R486C.
Identifiers: ClinVar variation 3216182 (VCV003216182.2), dbSNP rs758993736, ClinGen allele CA4488360.